The following is an entry in ClinVar:

ClinVar aggregate classification (germline): Benign/Likely benign. Review status: criteria provided, multiple submitters, no conflicts (2 of 4 stars). 6 submissions from 6 submitters: Benign (1); Likely benign (3). 2 of the submissions do not count toward it. Last evaluated 2026-06-01.

Allele frequency attached by ClinVar (database versions not stated): ESP Exome Variant Server 0.00238; gnomAD 0.00277 and 0.00282; TOPMed 0.00323; gnomAD exomes 0.00332 and 0.00356; ExAC 0.00333; 1000 Genomes Project 30x 0.00375; 1000 Genomes Project 0.00379.
gnomAD v4.1: 5,344 of 1,613,490 alleles (0.33%); highest among the groups gnomAD compares: Middle Eastern, 1%; 15 homozygotes.

Submissions (6):

CeGaT Center for Human Genetics Tuebingen
Classification: Likely benign. Last evaluated: 2026-06-01. Review status: criteria provided, single submitter. Criteria: CeGaT Center For Human Genetics Tuebingen Variant Classification Criteria Version 2. Collection method: clinical testing. Allele origin: germline. Affected: yes. Observed: 8 variant alleles.
Comment: CRB2: BP4, BP7, BS2

Labcorp Genetics (formerly Invitae), Labcorp
Classification: Benign. Last evaluated: 2026-01-28. Review status: criteria provided, single submitter. Criteria: Invitae Variant Classification Sherloc (09022015). Collection method: clinical testing. Allele origin: germline.

GeneDx
Classification: Likely benign. Last evaluated: 2020-01-30. Review status: criteria provided, single submitter. Criteria: GeneDx Variant Classification Process June 2021. Collection method: clinical testing. Allele origin: germline. Affected: yes.

Breakthrough Genomics
Classification: Likely benign. Review status: criteria provided, single submitter. Criteria: ACMG Guidelines, 2015. Collection method: not provided. Allele origin: germline. Inheritance: Autosomal recessive inheritance. Affected: yes.

Clinical Genetics DNA and cytogenetics Diagnostics Lab, Erasmus MC, Erasmus Medical Center
Classification: Likely benign. Review status: no assertion criteria provided. Collection method: clinical testing. Allele origin: germline. Affected: yes. Study: VKGL Data-share Consensus. Not counted in ClinVar's aggregate classification.

Genome Diagnostics Laboratory, University Medical Center Utrecht
Classification: Likely benign. Review status: no assertion criteria provided. Collection method: clinical testing. Allele origin: germline. Affected: yes. Study: VKGL Data-share Consensus. Not counted in ClinVar's aggregate classification.

NM_173689.7(CRB2):c.1236C>T (p.Ile412=)

Gene: CRB2 (crumbs cell polarity complex component 2; plus strand). Cytogenetic location: 9q33.3.
Variant type: single nucleotide variant.
Coding change: c.1236C>T on transcript NM_173689.7 (MANE Select); coding-DNA position 1236, C replaced by T.
Protein change: p.Ile412=; no amino-acid change (isoleucine 412 retained).
Molecular consequence: synonymous variant. On other transcripts: non-coding transcript variant (1).
Genome position (GRCh38, 1-based): chr9:123,370,289, C>T. VCF-style: chr9-123370289-C-T. GRCh37 (hg19) VCF-style: chr9-126132568-C-T.
Identifiers: ClinVar variation 780047 (VCV000780047.38), dbSNP rs55641439, ClinGen allele CA5231933.